The following is an entry in ClinVar:

ClinVar aggregate classification (germline): Pathogenic (1 of 4 stars; one submission).

Submission:

Labcorp Genetics (formerly Invitae), Labcorp
Classification: Pathogenic. Last evaluated: 2023-10-27. Review status: criteria provided, single submitter. Criteria: Invitae Variant Classification Sherloc (09022015). Collection method: clinical testing. Allele origin: germline.
Comment: This sequence change creates a premature translational stop signal (p.Met586Argfs*69) in the TMC1 gene. It is expected to result in an absent or disrupted protein product. Loss-of-function variants in TMC1 are known to be pathogenic (PMID: 11850618, 22105175). This variant is not present in population databases (gnomAD no frequency). This variant has not been reported in the literature in individuals affected with TMC1-related conditions. For these reasons, this variant has been classified as Pathogenic.

Literature cited by the submitters: PubMed 11850618; PubMed 22105175.

NM_138691.3(TMC1):c.1757del (p.Met586fs)

Gene: TMC1 (transmembrane channel like 1; plus strand). Cytogenetic location: 9q21.13.
Variant type: Deletion.
Coding change: c.1757del on transcript NM_138691.3 (MANE Select); coding-DNA position 1757, one base deleted (T; older notation c.1757delT).
Protein change: p.Met586fs; shifts the reading frame from methionine 586.
Molecular consequence: frameshift variant.
Genome position (GRCh38, 1-based): chr9:72,816,204, T deleted. VCF-style (leftmost placement, unchanged base first): chr9-72816203-AT-A. GRCh37 (hg19) VCF-style: chr9-75431119-AT-A.
Other names: short protein forms M586fs.
Identifiers: ClinVar variation 2772096 (VCV002772096.3), dbSNP rs2489978728, ClinGen allele CA2697557766.
Genomic context (GRCh38, chr9:72,816,203, plus strand): 5'-CCTTCATACACCGAATTCGACATCAGTGGCAACGTCCTCGCTCTGATCTTCAACCAAGGC[AT>A]GATCTGGTAGGCCAGCTGTTGGACAGCTTATCACTTACAGAAAAGCCTCCCAGGTTATTT-3'